The following is an entry in ClinVar:

NM_006348.5(COG5):c.116A>G (p.Asn39Ser)

Gene: COG5 (component of oligomeric golgi complex 5; minus strand). Cytogenetic location: 7q22.3.
Variant type: single nucleotide variant.
Coding change: c.116A>G on transcript NM_006348.5 (MANE Select); coding-DNA position 116, A replaced by G.
Protein change: p.Asn39Ser; replaces asparagine 39 with serine.
Molecular consequence: missense variant.
Genome position (GRCh38, 1-based): chr7:107,558,094, T>C on the plus strand (A>G on the coding strand, the complement: COG5 is on the minus strand). VCF-style: chr7-107558094-T-C. GRCh37 (hg19) VCF-style: chr7-107198539-T-C.
Other names: c.116A>G, p.Asn39Ser (NM_001161520.2, NM_001379511.1, NM_001379512.1 and 5 more transcripts); short protein forms N39S.
Identifiers: ClinVar variation 1349728 (VCV001349728.8), dbSNP rs141581564, ClinGen allele CA4431531.

ClinVar aggregate classification (germline): Uncertain significance (1 of 4 stars; one submission).

Conditions:
COG5-congenital disorder of glycosylation. Also called: CDG IIi; COG5-CDG; CONGENITAL DISORDER OF GLYCOSYLATION, TYPE IIi. Identifiers: Orphanet 263487, MedGen C3150876, MONDO:0013325, OMIM 613612.

Allele frequency attached by ClinVar (database versions not stated): gnomAD 0.00001; gnomAD exomes 0.00001; TOPMed 0.00001; ExAC 0.00002; ESP Exome Variant Server 0.00008.
gnomAD v4.1: 12 of 1,613,778 alleles (0.00074%); highest among the groups gnomAD compares: African/African-American, 0.0013%; no homozygotes.

Submission:

Labcorp Genetics (formerly Invitae), Labcorp
Classification: Uncertain significance for COG5-congenital disorder of glycosylation. Last evaluated: 2021-04-28. Review status: criteria provided, single submitter. Criteria: Invitae Variant Classification Sherloc (09022015). Collection method: clinical testing. Allele origin: germline.
Comment: In summary, the available evidence is currently insufficient to determine the role of this variant in disease. Therefore, it has been classified as a Variant of Uncertain Significance. Algorithms developed to predict the effect of sequence changes on RNA splicing suggest that this variant may create or strengthen a splice site, but this prediction has not been confirmed by published transcriptional studies. Algorithms developed to predict the effect of missense changes on protein structure and function output the following: SIFT: "Tolerated"; PolyPhen-2: "Benign"; Align-GVGD: "Class C0". The serine amino acid residue is found in multiple mammalian species, suggesting that this missense change does not adversely affect protein function. These predictions have not been confirmed by published functional studies and their clinical significance is uncertain. This variant has not been reported in the literature in individuals with COG5-related conditions. This variant is present in population databases (rs141581564, ExAC 0.003%). This sequence change replaces asparagine with serine at codon 70 of the COG5 protein (p.Asn70Ser). The asparagine residue is weakly conserved and there is a small physicochemical difference between asparagine and serine.